The following is an entry in ClinVar:

ClinVar aggregate classification (germline): Uncertain significance (1 of 4 stars; one submission).

Submission:

Ambry Genetics
Classification: Uncertain significance. Last evaluated: 2022-01-11. Review status: criteria provided, single submitter. Criteria: Ambry Variant Classification Scheme 2023. Collection method: clinical testing. Allele origin: germline.
Comment: The p.Y1221N variant (also known as c.3661T>A), located in coding exon 33 of the KIF1B gene, results from a T to A substitution at nucleotide position 3661. The tyrosine at codon 1221 is replaced by asparagine, an amino acid with dissimilar properties. This amino acid position is conserved. In addition, this alteration is predicted to be deleterious by in silico analysis. Since supporting evidence is limited at this time, the clinical significance of this alteration remains unclear.

NM_001365951.3(KIF1B):c.3799T>A (p.Tyr1267Asn)

Gene: KIF1B (kinesin family member 1B; plus strand). Cytogenetic location: 1p36.22.
Variant type: single nucleotide variant.
Coding change: c.3799T>A on transcript NM_001365951.3 (MANE Select); coding-DNA position 3799, T replaced by A.
Protein change: p.Tyr1267Asn; replaces tyrosine 1267 with asparagine.
Molecular consequence: missense variant.
Genome position (GRCh38, 1-based): chr1:10,347,762, T>A. VCF-style: chr1-10347762-T-A. GRCh37 (hg19) VCF-style: chr1-10407820-T-A.
Other names: c.3799T>A, p.Tyr1267Asn (NM_001365952.1); c.3661T>A, p.Tyr1221Asn (NM_015074.3); short protein forms Y1221N, Y1267N.
Identifiers: ClinVar variation 1733699 (VCV001733699.2), dbSNP rs2521791647, ClinGen allele CA338343007.